The following is an entry in ClinVar:

ClinVar aggregate classification (germline): Uncertain significance. Review status: criteria provided, multiple submitters, no conflicts (2 of 4 stars). 2 submissions from 2 submitters: Uncertain significance (2). Last evaluated 2025-12-10.

Conditions:
GJA8-related disorder. Also called: GJA8-related condition.

Submissions (2):

PreventionGenetics, part of Exact Sciences
Classification: Uncertain significance for GJA8-related condition. Last evaluated: 2025-12-10. Review status: criteria provided, single submitter. Criteria: ACMG Guidelines, 2015. Collection method: clinical testing. Allele origin: germline.
Comment: The GJA8 c.623T>C variant is predicted to result in the amino acid substitution p.Phe208Ser. To our knowledge, this variant has not been reported in the literature. This variant is absent in a large population database (gnomAD), indicating this variant is rare. This missense variant is predicted damaging to the encoded protein (Liu et al. 2016. PMID:26555599). At this time, the clinical significance of this variant is uncertain due to the absence of conclusive functional and genetic evidence.

Blueprint Genetics
Classification: Uncertain significance. Last evaluated: 2020-08-31. Review status: criteria provided, single submitter. Criteria: ACMG Guidelines, 2015. Collection method: clinical testing. Allele origin: germline.

NM_005267.5(GJA8):c.623T>C (p.Phe208Ser)

Gene: GJA8 (gap junction protein alpha 8; plus strand). Cytogenetic location: 1q21.2.
Variant type: single nucleotide variant.
Coding change: c.623T>C on transcript NM_005267.5 (MANE Select); coding-DNA position 623, T replaced by C.
Protein change: p.Phe208Ser; replaces phenylalanine 208 with serine.
Molecular consequence: missense variant.
Genome position (GRCh38, 1-based): chr1:147,908,578, T>C. VCF-style: chr1-147908578-T-C. GRCh37 (hg19) VCF-style: chr1-147380705-T-C.
Other names: c.623T>C (NM_005267.4); short protein forms F208S.
Identifiers: ClinVar variation 4909152 (VCV004909152.2).